The following is an entry in ClinVar:

NM_001854.4(COL11A1):c.2735C>T (p.Pro912Leu)

Gene: COL11A1 (collagen type XI alpha 1 chain; minus strand). Cytogenetic location: 1p21.1.
Variant type: single nucleotide variant.
Coding change: c.2735C>T on transcript NM_001854.4 (MANE Select); coding-DNA position 2735, C replaced by T.
Protein change: p.Pro912Leu; replaces proline 912 with leucine.
Molecular consequence: missense variant. On other transcripts: non-coding transcript variant (1).
Genome position (GRCh38, 1-based): chr1:102,978,727, G>A on the plus strand (C>T on the coding strand, the complement: COL11A1 is on the minus strand). VCF-style: chr1-102978727-G-A. GRCh37 (hg19) VCF-style: chr1-103444283-G-A.
Other names: c.2618C>T, p.Pro873Leu (NM_001190709.2); c.2771C>T, p.Pro924Leu (NM_080629.3); c.2387C>T, p.Pro796Leu (NM_080630.4); short protein forms P873L, P796L, P912L, P924L.
Identifiers: ClinVar variation 876781 (VCV000876781.23), dbSNP rs192842970, ClinGen allele CA974297.

ClinVar aggregate classification (germline): Conflicting classifications of pathogenicity. Review status: criteria provided, conflicting classifications (1 of 4 stars). 9 submissions from 8 submitters: Uncertain significance (4); Likely benign (5). Last evaluated 2026-10-06.

Conditions:
Fibrochondrogenesis 1 (FBCG1). Identifiers: Orphanet 2021, MedGen C3278138, MONDO:0009226, OMIM 228520.
Stickler syndrome type 2 (STL2). Also called: COL11A1-Related Stickler Syndrome; STICKLER SYNDROME, BEADED VITREOUS TYPE; STICKLER SYNDROME, VITREOUS TYPE 2; STICKLER SYNDROME, TYPE II. Identifiers: Orphanet 828, Orphanet 90654, MedGen C1858084, MONDO:0011493, OMIM 604841.
COL11A1-related disorder. Also called: COL11A1-related condition; COL11A1-related disorders.

Allele frequency attached by ClinVar (database versions not stated): gnomAD 0.00009 and 0.00013; gnomAD exomes 0.00023 and 0.00017; ExAC 0.00020; 1000 Genomes Project 30x 0.00062; TOPMed 0.00019; 1000 Genomes Project 0.00080.
gnomAD v4.1: 256 of 1,614,144 alleles (0.016%); highest among the groups gnomAD compares: East Asian, 0.56%; 1 homozygote.

Submissions (9):

GeneDx
Classification: Uncertain significance. Last evaluated: 2026-10-06. Review status: criteria provided, single submitter. Criteria: GeneDx Variant Classification Process June 2021. Collection method: clinical testing. Allele origin: germline.
Comment: Identified in a patient referred for genetic testing for hearing loss, reported as p.P924L using alternate nomenclature (PMID: 23967202); however, additional clinical information was not provided; Identified in a patient with clinical features consistent with COL11A1-related fibrochondrogenesis in published literature (PMID: 38712494); In silico analysis supports that this missense variant has a deleterious effect on protein structure/function; This variant is associated with the following publications: (PMID: 23967202, 38712494)

Women's Health and Genetics/Laboratory Corporation of America, LabCorp
Classification: Likely benign. Last evaluated: 2026-04-23. Review status: criteria provided, single submitter. Criteria: LabCorp Variant Classification Summary - May 2015. Collection method: clinical testing. Allele origin: germline.
Comment: Variant summary: COL11A1 c.2735C>T (p.Pro912Leu), also reported as c.2771C>T (p.Pro924Leu), results in a non-conservative amino acid change in the encoded protein sequence. Algorithms developed to predict the effect of missense changes on protein structure and function all suggest that this variant is likely to be disruptive. The variant allele was found at a frequency of 0.00023 in 250676 control chromosomes, predominantly at a frequency of 0.0031 within the East Asian subpopulation in the gnomAD database. The observed variant frequency within East Asian control individuals in the gnomAD database exceeds the estimated maximal expected allele frequency for disease-causing variants in COL11A1. c.2735C>T has been observed in the compound heterozygous state in at least 1 individual(s) affected with Fibrochondrogenesis 1, and in the presumed heterozygous in at least 1 individual with early onset deafness and in at least 3 individual with late onset deafness (example, Jeon_2024, Miyagawa_2013) without strong evidence for causality and no indication of segregation with disease. These report(s) do not provide unequivocal conclusions about association of the variant with COL11A1-related conditions. To our knowledge, no experimental evidence demonstrating an impact on protein function has been reported. The following publications have been ascertained in the context of this evaluation (PMID: 38712494, 23967202). ClinVar contains an entry for this variant (Variation ID: 876781). Based on the evidence outlined above, the variant was classified as likely benign.

Labcorp Genetics (formerly Invitae), Labcorp
Classification: Likely benign. Last evaluated: 2025-12-31. Review status: criteria provided, single submitter. Criteria: Invitae Variant Classification Sherloc (09022015). Collection method: clinical testing. Allele origin: germline.

PreventionGenetics, part of Exact Sciences
Classification: Likely benign for COL11A1-related condition. Last evaluated: 2025-08-22. Review status: criteria provided, single submitter. Criteria: ACMG Guidelines, 2015. Collection method: clinical testing. Allele origin: germline.
Comment: This variant is classified as likely benign based on ACMG/AMP sequence variant interpretation guidelines (Richards et al. 2015 PMID: 25741868, with internal and published modifications).

Blueprint Genetics
Classification: Likely benign. Last evaluated: 2024-10-22. Review status: criteria provided, single submitter. Criteria: ACMG Guidelines, 2015. Collection method: clinical testing. Allele origin: germline.

Revvity Omics, Revvity
Classification: Uncertain significance. Last evaluated: 2022-07-26. Review status: criteria provided, single submitter. Criteria: ACMG Guidelines, 2015. Collection method: clinical testing. Allele origin: germline.

3billion
Classification: Uncertain significance for Fibrochondrogenesis 1. Last evaluated: 2021-10-25. Review status: criteria provided, single submitter. Criteria: ACMG Guidelines, 2015. Collection method: clinical testing. Allele origin: unknown. Affected: yes. Observed: 1 heterozygote.
Comment: The variant is observed at an extremely low frequency in the gnomAD v2.1.1 dataset (total allele frequency: 0.0002, PM2). it has been reported as uncertain significance or likley benign (ClinVar ID: VCV000876781.3) Therefore, this variant is classified as uncertain significance according to the recommendation of ACMG/AMP guideline.

Illumina Laboratory Services, Illumina
Classification: Likely benign for Stickler syndrome type 2. Last evaluated: 2018-01-13. Review status: criteria provided, single submitter. Criteria: ICSL Variant Classification Criteria 13 December 2019. Collection method: clinical testing. Allele origin: germline.
Comment: This variant was observed in the ICSL laboratory as part of a predisposition screen in an ostensibly healthy population. It had not been previously curated by ICSL or reported in the Human Gene Mutation Database (HGMD: prior to June 1st, 2018), and was therefore a candidate for classification through an automated scoring system. Utilizing variant allele frequency, disease prevalence and penetrance estimates, and inheritance mode, an automated score was calculated to assess if this variant is too frequent to cause the disease. Based on the score and internal cut-off values, a variant classified as likely benign is not then subjected to further curation. The score for this variant resulted in a classification of likely benign for this disease.

Illumina Laboratory Services, Illumina
Classification: Uncertain significance for Fibrochondrogenesis 1. Last evaluated: 2018-01-13. Review status: criteria provided, single submitter. Criteria: ICSL Variant Classification Criteria 13 December 2019. Collection method: clinical testing. Allele origin: germline.

Literature cited by the submitters: PubMed 23967202 (cited by Women's Health and Genetics/Laboratory Corporation of America, LabCorp); PubMed 38712494 (cited by Women's Health and Genetics/Laboratory Corporation of America, LabCorp).